The following is an entry in ClinVar:

ClinVar aggregate classification (germline): Uncertain significance (1 of 4 stars; one submission).

Conditions:
Amyotrophic lateral sclerosis type 4 (ALS4). Also called: AMYOTROPHIC LATERAL SCLEROSIS 4, JUVENILE; NEURONOPATHY, DISTAL HEREDITARY MOTOR, WITH PYRAMIDAL FEATURES. Identifiers: Orphanet 357043, MedGen C1865409, MONDO:0011223, OMIM 602433.
Spinocerebellar ataxia, autosomal recessive, with axonal neuropathy 2 (SCAN2). Also called: Ataxia-ocular apraxia-2; Ataxia with Oculomotor Apraxia; Ataxia with Oculomotor Apraxia Type 2; ATAXIA-OCULOMOTOR APRAXIA 2. Identifiers: Orphanet 64753, MedGen C1853761, MONDO:0018996, OMIM 606002.

Allele frequency attached by ClinVar (database versions not stated): gnomAD exomes 0.00001 and below 0.00001; ExAC 0.00001.
gnomAD v4.1: 19 of 1,592,750 alleles (0.0012%); highest among the groups gnomAD compares: Middle Eastern, 0.017%; no homozygotes.

Submission:

Labcorp Genetics (formerly Invitae), Labcorp
Classification: Uncertain significance for Amyotrophic lateral sclerosis type 4; Spinocerebellar ataxia, autosomal recessive, with axonal neuropathy 2. Last evaluated: 2021-09-01. Review status: criteria provided, single submitter. Criteria: Invitae Variant Classification Sherloc (09022015). Collection method: clinical testing. Allele origin: germline.
Comment: This sequence change replaces cysteine with tyrosine at codon 474 of the SETX protein (p.Cys474Tyr). The cysteine residue is moderately conserved and there is a large physicochemical difference between cysteine and tyrosine. This variant is present in population databases (rs754200234, ExAC 0.002%). This variant has not been reported in the literature in individuals affected with SETX-related conditions. Algorithms developed to predict the effect of missense changes on protein structure and function are either unavailable or do not agree on the potential impact of this missense change (SIFT: "Tolerated"; PolyPhen-2: "Probably Damaging"; Align-GVGD: "Class C0"). In summary, the available evidence is currently insufficient to determine the role of this variant in disease. Therefore, it has been classified as a Variant of Uncertain Significance.

NM_015046.7(SETX):c.1421G>A (p.Cys474Tyr)

Gene: SETX (senataxin; minus strand). Cytogenetic location: 9q34.13.
Variant type: single nucleotide variant.
Coding change: c.1421G>A on transcript NM_015046.7 (MANE Select); coding-DNA position 1421, G replaced by A.
Protein change: p.Cys474Tyr; replaces cysteine 474 with tyrosine.
Molecular consequence: missense variant.
Genome position (GRCh38, 1-based): chr9:132,330,177, C>T on the plus strand (G>A on the coding strand, the complement: SETX is on the minus strand). VCF-style: chr9-132330177-C-T. GRCh37 (hg19) VCF-style: chr9-135205564-C-T.
Other names: c.1421G>A, p.Cys474Tyr (NM_001351527.2, NM_001351528.2); short protein forms C474Y.
Identifiers: ClinVar variation 656176 (VCV000656176.6), dbSNP rs754200234, ClinGen allele CA5297781.